The following is an entry in ClinVar:

NM_001267550.2(TTN):c.72826_72829dup (p.Leu24277fs)

Genes: TTN (titin; minus strand), TTN-AS1 (TTN antisense RNA 1; plus strand). Cytogenetic location: 2q31.2.
Variant type: Duplication.
Coding change: c.72826_72829dup on transcript NM_001267550.2 (MANE Select); coding-DNA positions 72826 to 72829, 4 bases duplicated (ACTC; older notation c.72826_72829dupACTC).
Protein change: p.Leu24277fs; shifts the reading frame from leucine 24277.
Molecular consequence: frameshift variant.
Genome position (GRCh38, 1-based): chr2:178,573,303-178,573,306, GAGT duplicated on the plus strand (ACTC on the coding strand, the reverse complement: TTN is on the minus strand). VCF-style (leftmost placement, unchanged base first): chr2-178573302-A-AGAGT. GRCh37 (hg19) VCF-style: chr2-179438029-A-AGAGT.
Other names: c.67903_67906dupACTC (NM_001256850.1); c.67903_67906dup, p.Leu22636fs (NM_001256850.1); c.45631_45634dup, p.Leu15212fs (NM_003319.4); c.65122_65125dup, p.Leu21709fs (NM_133378.4); c.46006_46009dup, p.Leu15337fs (NM_133432.3); c.46207_46210dup, p.Leu15404fs (NM_133437.4); short protein forms L15212fs, L21709fs, L24277fs, L15404fs, L15337fs, L22636fs.
Identifiers: ClinVar variation 504462 (VCV000504462.2), dbSNP rs1553608700, ClinGen allele CA658796036.

ClinVar aggregate classification (germline): Pathogenic (1 of 4 stars; one submission).

Submission:

GeneDx
Classification: Pathogenic. Last evaluated: 2018-03-12. Review status: criteria provided, single submitter. Criteria: GeneDx Variant Classification (06012015). Collection method: clinical testing. Allele origin: germline. Affected: yes.
Comment: The c.67903_67906dupACTC pathogenic variant in the TTN gene has not been reported previously as a pathogenic variant or as a benign variant, to our knowledge. This variant causes a shift in reading frame starting at codon leucine 22636, changing it to a histidine, and creating a premature stop codon at position 4 of the new reading frame, denoted p.Leu22636HisfsX4. This pathogenic variant is expected to result in either an abnormal, truncated protein product or loss of protein from this allele through nonsense-mediated mRNA decay. Other truncating TTN variants have been reported in approximately 3% of control alleles (Herman et al., 2012). However, the c.67903_67906dupACTC variant is located in the A-band region of titin, where the majority of truncating pathogenic variants associated with DCM have been reported (Herman et al., 2012). Finally, the c.67903_67906dupACTC variant is not observed in large population cohorts (Lek et al., 2016).